The following is an entry in ClinVar:

ClinVar aggregate classification (germline): not provided (0 of 4 stars; one submission).

Conditions:
Normal pregnancy. Identifiers: MedGen C0232989.

Submission:

Institute of Molecular and Cell Biology, University of Tartu
No classification provided. Condition: Normal pregnancy. Review status: no classification provided. Collection method: case-control. Allele origin: unknown. Affected: yes. Study: Kasak2014.
Comment: The study aimed to determine the contribution of copy number variants in the genetic etiology of normal and complicated pregnancies. The samples represented (i) maternal blood DNA drawn from healthy pregnant women during 1st or 2nd trimester and (ii) maternal and paternal blood DNA drawn at term pregnancy cases representing normal and complicated gestations (severe preeclampsia, PE; gestational diabetes, GD; small-for-gestational age newborn, SGA; large-for-gestational age newborn, LGA). We performed CNV calling based on genome-wide genotyping dataset (Illumina HumanOmniExpress-24-v1 BeadChip) by applying three algorithms, QuantiSNP, GADA (Genome Alteration Detection Algorithm) and CNstream in parallel. The acquired CNV calls were merged with HD-CNV (Hotspot Detector for Copy Number Variants) program and only the CNVs predicted by at least two programs, were considered in subsequent analysis.

Literature cited by the submitters: PubMed 25666259.

NC_000007.14:g.98304289_98528307dup

Genes: BAIAP2L1 (BAR/IMD domain containing adaptor protein 2 like 1; minus strand), BRI3 (brain protein I3; plus strand), LOC123956184 (Sharpr-MPRA regulatory region 688; plus strand), LOC126860119 (P300/CBP strongly-dependent group 1 enhancer GRCh37_chr7:98047665-98048864; plus strand), LOC129389830 (MPRA-validated peak6654 silencer; plus strand) and 1 more. Cytogenetic location: 7q21.3-22.1.
Variant type: Duplication.
Identifiers: ClinVar variation 157064 (VCV000157064.3).